The following is an entry in ClinVar:

ClinVar aggregate classification (germline): Uncertain significance. Review status: criteria provided, multiple submitters, no conflicts (2 of 4 stars). 3 submissions from 3 submitters: Uncertain significance (3). Last evaluated 2023-11-07.

Conditions:
Fanconi anemia complementation group P. Also called: SLX4-Related Fanconi Anemia. Identifiers: Orphanet 84, MedGen C3469542, MONDO:0013499, OMIM 613951.
Fanconi anemia (FA). Also called: Fanconi's anemia. Identifiers: Orphanet 84, MedGen C0015625, MeSH D005199, MONDO:0019391.

Allele frequency attached by ClinVar (database versions not stated): TOPMed 0.00003; gnomAD exomes 0.00006; ExAC 0.00027.
gnomAD v4.1: 42 of 1,551,940 alleles (0.0027%); highest among the groups gnomAD compares: Non-Finnish European, 0.0034%; no homozygotes.

Submissions (3):

Labcorp Genetics (formerly Invitae), Labcorp
Classification: Uncertain significance for Fanconi anemia. Last evaluated: 2023-11-07. Review status: criteria provided, single submitter. Criteria: Invitae Variant Classification Sherloc (09022015). Collection method: clinical testing. Allele origin: germline.
Comment: This sequence change replaces alanine, which is neutral and non-polar, with valine, which is neutral and non-polar, at codon 635 of the SLX4 protein (p.Ala635Val). The frequency data for this variant in the population databases is considered unreliable, as metrics indicate poor data quality at this position in the gnomAD database. This variant has not been reported in the literature in individuals affected with SLX4-related conditions. ClinVar contains an entry for this variant (Variation ID: 1319572). Algorithms developed to predict the effect of missense changes on protein structure and function output the following: SIFT: "Not Available"; PolyPhen-2: "Benign"; Align-GVGD: "Not Available". The valine amino acid residue is found in multiple mammalian species, which suggests that this missense change does not adversely affect protein function. In summary, the available evidence is currently insufficient to determine the role of this variant in disease. Therefore, it has been classified as a Variant of Uncertain Significance.

Institute for Clinical Genetics, University Hospital TU Dresden, University Hospital TU Dresden
Classification: Uncertain significance. Last evaluated: 2021-11-03. Review status: criteria provided, single submitter. Criteria: ACMG Guidelines, 2015. Collection method: clinical testing. Allele origin: germline.

Fulgent Genetics
Classification: Uncertain significance for Fanconi anemia complementation group P. Last evaluated: 2021-10-14. Review status: criteria provided, single submitter. Criteria: ACMG Guidelines, 2015. Collection method: clinical testing. Allele origin: unknown.

NM_032444.4(SLX4):c.1904C>T (p.Ala635Val)

Gene: SLX4 (SLX4 structure-specific endonuclease subunit; minus strand). Cytogenetic location: 16p13.3.
Variant type: single nucleotide variant.
Coding change: c.1904C>T on transcript NM_032444.4 (MANE Select); coding-DNA position 1904, C replaced by T.
Protein change: p.Ala635Val; replaces alanine 635 with valine.
Molecular consequence: missense variant.
Genome position (GRCh38, 1-based): chr16:3,596,173, G>A on the plus strand (C>T on the coding strand, the complement: SLX4 is on the minus strand). VCF-style: chr16-3596173-G-A. GRCh37 (hg19) VCF-style: chr16-3646174-G-A.
Other names: short protein forms A635V.
Identifiers: ClinVar variation 1319572 (VCV001319572.6), dbSNP rs746717279, ClinGen allele CA7866384.